The following is an entry in ClinVar:

NM_021831.6(AGBL5):c.1736T>C (p.Val579Ala)

Gene: AGBL5 (AGBL carboxypeptidase 5; plus strand). Cytogenetic location: 2p23.3.
Variant type: single nucleotide variant.
Coding change: c.1736T>C on transcript NM_021831.6 (MANE Select); coding-DNA position 1736, T replaced by C.
Protein change: p.Val579Ala; replaces valine 579 with alanine.
Molecular consequence: missense variant. On other transcripts: non-coding transcript variant (2).
Genome position (GRCh38, 1-based): chr2:27,058,464, T>C. VCF-style: chr2-27058464-T-C. GRCh37 (hg19) VCF-style: chr2-27281332-T-C.
Other names: c.1736T>C, p.Val579Ala (NM_001035507.3); short protein forms V579A.
Identifiers: ClinVar variation 954015 (VCV000954015.10), dbSNP rs556079736, ClinGen allele CA44465191.

ClinVar aggregate classification (germline): Uncertain significance. Review status: criteria provided, multiple submitters, no conflicts (2 of 4 stars). 3 submissions from 3 submitters: Uncertain significance (3). Last evaluated 2025-08-13.

Conditions:
Inborn genetic diseases. Identifiers: MedGen C0950123, MeSH D030342.

Allele frequency attached by ClinVar (database versions not stated): TOPMed 0.00003; gnomAD 0.00004 and 0.00003; gnomAD exomes below 0.00001 and 0.00002.
gnomAD v4.1: 38 of 1,614,008 alleles (0.0024%); highest among the groups gnomAD compares: African/African-American, 0.0027%; no homozygotes.

Submissions (3):

Ambry Genetics
Classification: Uncertain significance for Inborn genetic diseases. Last evaluated: 2025-08-13. Review status: criteria provided, single submitter. Criteria: Ambry Variant Classification Scheme 2023. Collection method: clinical testing. Allele origin: germline.

Labcorp Genetics (formerly Invitae), Labcorp
Classification: Uncertain significance. Last evaluated: 2024-06-26. Review status: criteria provided, single submitter. Criteria: Invitae Variant Classification Sherloc (09022015). Collection method: clinical testing. Allele origin: germline.
Comment: This sequence change replaces valine, which is neutral and non-polar, with alanine, which is neutral and non-polar, at codon 579 of the AGBL5 protein (p.Val579Ala). This variant is present in population databases (rs556079736, gnomAD 0.002%). This variant has not been reported in the literature in individuals affected with AGBL5-related conditions. ClinVar contains an entry for this variant (Variation ID: 954015). An algorithm developed to predict the effect of missense changes on protein structure and function (PolyPhen-2) suggests that this variant¬†is likely to be tolerated. In summary, the available evidence is currently insufficient to determine the role of this variant in disease. Therefore, it has been classified as a Variant of Uncertain Significance.

Blueprint Genetics
Classification: Uncertain significance. Last evaluated: 2022-11-06. Review status: criteria provided, single submitter. Criteria: ACMG Guidelines, 2015. Collection method: clinical testing. Allele origin: germline.